The following is an entry in ClinVar:

NM_015295.3(SMCHD1):c.1049A>T (p.Tyr350Phe)

Gene: SMCHD1 (structural maintenance of chromosomes flexible hinge domain containing 1; plus strand). Cytogenetic location: 18p11.32.
Variant type: single nucleotide variant.
Coding change: c.1049A>T on transcript NM_015295.3 (MANE Select); coding-DNA position 1049, A replaced by T.
Protein change: p.Tyr350Phe; replaces tyrosine 350 with phenylalanine.
Molecular consequence: missense variant.
Genome position (GRCh38, 1-based): chr18:2,697,040, A>T. VCF-style: chr18-2697040-A-T. GRCh37 (hg19) VCF-style: chr18-2697038-A-T.
Other names: short protein forms Y350F.
Identifiers: ClinVar variation 2436161 (VCV002436161.4), dbSNP rs1246260695, ClinGen allele CA401696188.

ClinVar aggregate classification (germline): Uncertain significance. Review status: criteria provided, multiple submitters, no conflicts (2 of 4 stars). 2 submissions from 2 submitters: Uncertain significance (2). Last evaluated 2025-06-11.

Conditions:
Facioscapulohumeral muscular dystrophy 2 (FSHD2). Also called: FACIOSCAPULOHUMERAL MUSCULAR DYSTROPHY 2, DIGENIC; FSHD2, DIGENIC; MUSCULAR DYSTROPHY, FACIOSCAPULOHUMERAL, TYPE 1B. Identifiers: Orphanet 269, MedGen C1834671, MONDO:0008031, OMIM 158901.

gnomAD v4.1: 5 of 1,407,834 alleles (0.00036%); highest among the groups gnomAD compares: Non-Finnish European, 0.00048%; no homozygotes.

Submissions (2):

Labcorp Genetics (formerly Invitae), Labcorp
Classification: Uncertain significance for Facioscapulohumeral muscular dystrophy 2. Last evaluated: 2025-06-11. Review status: criteria provided, single submitter. Criteria: Invitae Variant Classification Sherloc (09022015). Collection method: clinical testing. Allele origin: germline.
Comment: This sequence change replaces tyrosine, which is neutral and polar, with phenylalanine, which is neutral and non-polar, at codon 350 of the SMCHD1 protein (p.Tyr350Phe). The frequency data for this variant in the population databases is considered unreliable, as metrics indicate poor data quality at this position in the gnomAD database. This variant has not been reported in the literature in individuals affected with SMCHD1-related conditions. ClinVar contains an entry for this variant (Variation ID: 2436161). Invitae Evidence Modeling of protein sequence and biophysical properties (such as structural, functional, and spatial information, amino acid conservation, physicochemical variation, residue mobility, and thermodynamic stability) indicates that this missense variant is expected to disrupt SMCHD1 protein function with a positive predictive value of 80%. In summary, the available evidence is currently insufficient to determine the role of this variant in disease. Therefore, it has been classified as a Variant of Uncertain Significance.

Revvity Omics, Revvity
Classification: Uncertain significance. Last evaluated: 2020-04-04. Review status: criteria provided, single submitter. Criteria: ACMG Guidelines, 2015. Collection method: clinical testing. Allele origin: germline.